The following is an entry in ClinVar:

NM_001127671.2(LIFR):c.73A>C (p.Asn25His)

Gene: LIFR (LIF receptor subunit alpha; minus strand). Cytogenetic location: 5p13.1.
Variant type: single nucleotide variant.
Coding change: c.73A>C on transcript NM_001127671.2 (MANE Select); coding-DNA position 73, A replaced by C.
Protein change: p.Asn25His; replaces asparagine 25 with histidine.
Molecular consequence: missense variant.
Genome position (GRCh38, 1-based): chr5:38,530,575, T>G on the plus strand (A>C on the coding strand, the complement: LIFR is on the minus strand). VCF-style: chr5-38530575-T-G. GRCh37 (hg19) VCF-style: chr5-38530677-T-G.
Other names: c.73A>C, p.Asn25His (NM_001364297.2, NM_001364298.2, NM_002310.6); short protein forms N25H.
Identifiers: ClinVar variation 4070748 (VCV004070748.1).

ClinVar aggregate classification (germline): Uncertain significance (1 of 4 stars; one submission).

Submission:

GeneDx
Classification: Uncertain significance. Last evaluated: 2025-01-16. Review status: criteria provided, single submitter. Criteria: GeneDx Variant Classification Process June 2021. Collection method: clinical testing. Allele origin: germline. Affected: yes.
Comment: In silico analysis indicates that this missense variant does not alter protein structure/function; Has not been previously published as pathogenic or benign to our knowledge